The following is an entry in ClinVar:

ClinVar aggregate classification (germline): Uncertain significance (1 of 4 stars; one submission).

Conditions:
BAP1-related tumor predisposition syndrome (TPDS1). Also called: BAP1 tumor predisposition syndrome; Tumor susceptibility linked to germline BAP1 mutations; COMMON Syndrome; TUMOR PREDISPOSITION SYNDROME 1. Identifiers: Orphanet 289539, MedGen C3280492, MONDO:0013692, OMIM 614327.

Allele frequency attached by ClinVar (database versions not stated): gnomAD exomes below 0.00001.

Submission:

Labcorp Genetics (formerly Invitae), Labcorp
Classification: Uncertain significance for BAP1-related tumor predisposition syndrome. Last evaluated: 2024-03-19. Review status: criteria provided, single submitter. Criteria: Invitae Variant Classification Sherloc (09022015). Collection method: clinical testing. Allele origin: germline.
Comment: This sequence change replaces serine, which is neutral and polar, with asparagine, which is neutral and polar, at codon 37 of the BAP1 protein (p.Ser37Asn). This variant is not present in population databases (gnomAD no frequency). This variant has not been reported in the literature in individuals affected with BAP1-related conditions. Advanced modeling of protein sequence and biophysical properties (such as structural, functional, and spatial information, amino acid conservation, physicochemical variation, residue mobility, and thermodynamic stability) performed at Invitae indicates that this missense variant is not expected to disrupt BAP1 protein function with a negative predictive value of 80%. In summary, the available evidence is currently insufficient to determine the role of this variant in disease. Therefore, it has been classified as a Variant of Uncertain Significance.

NM_004656.4(BAP1):c.110G>A (p.Ser37Asn)

Gene: BAP1 (BRCA1 associated deubiquitinase 1; minus strand). Cytogenetic location: 3p21.1.
Variant type: single nucleotide variant.
Coding change: c.110G>A on transcript NM_004656.4 (MANE Select); coding-DNA position 110, G replaced by A.
Protein change: p.Ser37Asn; replaces serine 37 with asparagine.
Molecular consequence: missense variant.
Genome position (GRCh38, 1-based): chr3:52,409,566, C>T on the plus strand (G>A on the coding strand, the complement: BAP1 is on the minus strand). VCF-style: chr3-52409566-C-T. GRCh37 (hg19) VCF-style: chr3-52443582-C-T.
Other names: c.110G>A, p.Ser37Asn (NM_001410772.1); short protein forms S37N.
Identifiers: ClinVar variation 2898704 (VCV002898704.3), dbSNP rs2153228518, ClinGen allele CA353114543.